The following is an entry in ClinVar:

ClinVar aggregate classification (germline): Uncertain significance (1 of 4 stars; one submission).

Submission:

Labcorp Genetics (formerly Invitae), Labcorp
Classification: Uncertain significance. Last evaluated: 2022-07-05. Review status: criteria provided, single submitter. Criteria: Invitae Variant Classification Sherloc (09022015). Collection method: clinical testing. Allele origin: germline.
Comment: This sequence change replaces leucine, which is neutral and non-polar, with proline, which is neutral and non-polar, at codon 641 of the ADAMTS10 protein (p.Leu641Pro). This variant is not present in population databases (gnomAD no frequency). This variant has not been reported in the literature in individuals affected with ADAMTS10-related conditions. Algorithms developed to predict the effect of missense changes on protein structure and function (SIFT, PolyPhen-2, Align-GVGD) all suggest that this variant is likely to be disruptive. In summary, the available evidence is currently insufficient to determine the role of this variant in disease. Therefore, it has been classified as a Variant of Uncertain Significance.

NM_030957.4(ADAMTS10):c.1922T>C (p.Leu641Pro)

Gene: ADAMTS10 (ADAM metallopeptidase with thrombospondin type 1 motif 10; minus strand). Cytogenetic location: 19p13.2.
Variant type: single nucleotide variant.
Coding change: c.1922T>C on transcript NM_030957.4 (MANE Select); coding-DNA position 1922, T replaced by C.
Protein change: p.Leu641Pro; replaces leucine 641 with proline.
Molecular consequence: missense variant.
Genome position (GRCh38, 1-based): chr19:8,589,564, A>G on the plus strand (T>C on the coding strand, the complement: ADAMTS10 is on the minus strand). VCF-style: chr19-8589564-A-G. GRCh37 (hg19) VCF-style: chr19-8654448-A-G.
Other names: c.383T>C, p.Leu128Pro (NM_001282352.2); short protein forms L128P, L641P.
Identifiers: ClinVar variation 1983674 (VCV001983674.1), dbSNP rs2512592840, ClinGen allele CA403750937.